The following is an entry in ClinVar:

NM_001166108.2(PALLD):c.1965-12532C>A

Gene: PALLD (palladin, cytoskeletal associated protein; plus strand). Cytogenetic location: 4q32.3.
Variant type: single nucleotide variant.
Coding change: c.1965-12532C>A on transcript NM_001166108.2 (MANE Select); 12532 bases into the intron before coding-DNA position 1965, C replaced by A.
Molecular consequence: intron variant. On other transcripts: missense variant (1).
Genome position (GRCh38, 1-based): chr4:168,878,390, C>A. VCF-style: chr4-168878390-C-A. GRCh37 (hg19) VCF-style: chr4-169799541-C-A.
Other names: c.499C>A, p.Pro167Thr (NM_001166110.2); c.1965-12532C>A (NM_016081.4); c.819-12532C>A (NM_001166109.2); c.-157-12532C>A (NM_001367570.1, NM_001367568.1, NM_001367567.1 and 1 more transcripts); c.499C>A (NM_001166110.1); short protein forms P167T.
Identifiers: ClinVar variation 1016795 (VCV001016795.9), dbSNP rs979242789, ClinGen allele CA110515956.

ClinVar aggregate classification (germline): Uncertain significance. Review status: criteria provided, multiple submitters, no conflicts (2 of 4 stars). 2 submissions from 2 submitters: Uncertain significance (2). Last evaluated 2025-05-27.

Conditions:
Pancreatic adenocarcinoma. Identifiers: MedGen C0281361, MONDO:0006047, HP:0006725.

Allele frequency attached by ClinVar (database versions not stated): TOPMed 0.00003.

Submissions (2):

Labcorp Genetics (formerly Invitae), Labcorp
Classification: Uncertain significance for Pancreatic adenocarcinoma. Last evaluated: 2025-05-27. Review status: criteria provided, single submitter. Criteria: Invitae Variant Classification Sherloc (09022015). Collection method: clinical testing. Allele origin: germline.
Comment: This sequence change replaces proline, which is neutral and non-polar, with threonine, which is neutral and polar, at codon 167 of the PALLD protein (p.Pro167Thr). This variant is not present in population databases (gnomAD no frequency). This variant has not been reported in the literature in individuals affected with PALLD-related conditions. ClinVar contains an entry for this variant (Variation ID: 1016795). An algorithm developed to predict the effect of missense changes on protein structure and function (PolyPhen-2) suggests that this variant is likely to be tolerated. In summary, the available evidence is currently insufficient to determine the role of this variant in disease. Therefore, it has been classified as a Variant of Uncertain Significance.

Ambry Genetics
Classification: Uncertain significance. Last evaluated: 2024-12-14. Review status: criteria provided, single submitter. Criteria: Ambry Variant Classification Scheme 2023. Collection method: clinical testing. Allele origin: germline.
Comment: The p.P167T variant (also known as c.499C>A), located in coding exon 1 of the PALLD gene, results from a C to A substitution at nucleotide position 499. The proline at codon 167 is replaced by threonine, an amino acid with highly similar properties. This amino acid position is conserved. In addition, this alteration is predicted to be tolerated by in silico analysis. Based on the available evidence, the clinical significance of this variant remains unclear.